The following is an entry in ClinVar:

NM_000492.4(CFTR):c.3829del (p.Ser1276_Ile1277insTer)

Genes: CFTR (CF transmembrane conductance regulator; plus strand), CFTR-AS2 (CFTR antisense RNA 2; minus strand). Cytogenetic location: 7q31.2.
Variant type: Deletion.
Coding change: c.3829del on transcript NM_000492.4 (MANE Select); coding-DNA position 3829, one base deleted (A; older notation c.3829delA).
Protein change: p.Ser1276_Ile1277insTer.
Molecular consequence: nonsense.
Genome position (GRCh38, 1-based): chr7:117,642,549, A deleted; the last of 2 consecutive A bases (chr7:117,642,548-117,642,549); deleting either gives the same sequence. VCF-style (leftmost placement, unchanged base first): chr7-117642547-CA-C. GRCh37 (hg19) VCF-style: chr7-117282601-CA-C.
Other names: c.3829delA (NM_000492.3, NM_000492.4).
Identifiers: ClinVar variation 53818 (VCV000053818.7), dbSNP rs397508614, ClinGen allele CA327301.

ClinVar aggregate classification (germline): Pathogenic. Review status: criteria provided, multiple submitters, no conflicts (2 of 4 stars). 3 submissions from 3 submitters: Pathogenic (2). 1 of the submissions does not count toward it. Last evaluated 2025-01-02.

Conditions:
Cystic fibrosis (CF). Also called: MUCOVISCIDOSIS. Identifiers: Orphanet 586, MedGen C0010674, MONDO:0009061, OMIM 219700. Disease mechanism: loss of function.

Submissions (3):

Women's Health and Genetics/Laboratory Corporation of America, LabCorp
Classification: Pathogenic for Cystic fibrosis. Last evaluated: 2025-01-02. Review status: criteria provided, single submitter. Criteria: LabCorp Variant Classification Summary - May 2015. Collection method: clinical testing. Allele origin: germline.
Comment: Variant summary: CFTR c.3829delA (p.Ile1277X) results in a premature termination codon, predicted to cause a truncation of the encoded protein or absence of the protein due to nonsense mediated decay, which are commonly known mechanisms for disease. The variant was absent in 251002 control chromosomes. c.3829delA has been reported in the literature in individuals affected with Cystic Fibrosis (example: Alper_2004). The following publication has been ascertained in the context of this evaluation (PMID: 15365999). ClinVar contains an entry for this variant (Variation ID: 53818). Based on the evidence outlined above, the variant was classified as pathogenic.

Labcorp Genetics (formerly Invitae), Labcorp
Classification: Pathogenic for Cystic fibrosis. Last evaluated: 2022-01-16. Review status: criteria provided, single submitter. Criteria: Invitae Variant Classification Sherloc (09022015). Collection method: clinical testing. Allele origin: germline.
Comment: For these reasons, this variant has been classified as Pathogenic. ClinVar contains an entry for this variant (Variation ID: 53818). This variant has not been reported in the literature in individuals affected with CFTR-related conditions. This variant is not present in population databases (gnomAD no frequency). This sequence change creates a premature translational stop signal (p.Ile1277*) in the CFTR gene. It is expected to result in an absent or disrupted protein product. Loss-of-function variants in CFTR are known to be pathogenic (PMID: 1695717, 7691345, 9725922).

ClinVar Staff, National Center for Biotechnology Information (NCBI)
No classification provided. Condition: CFTR-related disorders. Review status: no classification provided. Collection method: literature only. Allele origin: germline. Affected: yes. Not counted in ClinVar's aggregate classification.

Literature cited by the submitters: PubMed 15365999 (cited by Women's Health and Genetics/Laboratory Corporation of America, LabCorp and ClinVar Staff, National Center for Biotechnology Information (NCBI)); PubMed 1695717 (cited by Labcorp Genetics (formerly Invitae), Labcorp); PubMed 7691345 (cited by Labcorp Genetics (formerly Invitae), Labcorp); PubMed 9725922 (cited by Labcorp Genetics (formerly Invitae), Labcorp).